The following is an entry in ClinVar:

ClinVar aggregate classification (germline): Benign/Likely benign. Review status: criteria provided, multiple submitters, no conflicts (2 of 4 stars). 6 submissions from 6 submitters: Benign (5); Likely benign (1). Last evaluated 2024-11-26.

Conditions:
Sitosterolemia 1. Identifiers: MedGen C2749759, MONDO:0020747, OMIM 210250.

Allele frequency attached by ClinVar (database versions not stated): gnomAD exomes 0.00326 and 0.00781; ExAC 0.01591; ESP Exome Variant Server 0.03127; gnomAD 0.03482 and 0.03755; TOPMed 0.03989; 1000 Genomes Project 0.03994; 1000 Genomes Project 30x 0.04466.
gnomAD v4.1: 10,050 of 1,550,728 alleles (0.65%); highest among the groups gnomAD compares: African/African-American, 12%; 559 homozygotes.

Submissions (6):

Blueprint Genetics
Classification: Benign. Last evaluated: 2024-11-26. Review status: criteria provided, single submitter. Criteria: ACMG Guidelines, 2015. Collection method: clinical testing. Allele origin: germline.

Women's Health and Genetics/Laboratory Corporation of America, LabCorp
Classification: Benign. Last evaluated: 2023-07-18. Review status: criteria provided, single submitter. Criteria: LabCorp Variant Classification Summary - May 2015. Collection method: clinical testing. Allele origin: germline.

Mayo Clinic Laboratories, Mayo Clinic
Classification: Benign. Last evaluated: 2022-04-29. Review status: criteria provided, single submitter. Criteria: ACMG Guidelines, 2015. Collection method: clinical testing. Allele origin: germline. Observed: 62 variant alleles.

GeneDx
Classification: Benign. Last evaluated: 2018-07-14. Review status: criteria provided, single submitter. Criteria: GeneDx Variant Classification Process June 2021. Collection method: clinical testing. Allele origin: germline. Affected: yes.

Illumina Laboratory Services, Illumina
Classification: Benign for Sitosterolemia 1. Last evaluated: 2018-01-12. Review status: criteria provided, single submitter. Criteria: ICSL Variant Classification Criteria 13 December 2019. Collection method: clinical testing. Allele origin: germline.
Comment: This variant was observed in the ICSL laboratory as part of a predisposition screen in an ostensibly healthy population. It had not been previously curated by ICSL or reported in the Human Gene Mutation Database (HGMD: prior to June 1st, 2018), and was therefore a candidate for classification through an automated scoring system. Utilizing variant allele frequency, disease prevalence and penetrance estimates, and inheritance mode, an automated score was calculated to assess if this variant is too frequent to cause the disease. Based on the score and internal cut-off values, a variant classified as benign is not then subjected to further curation. The score for this variant resulted in a classification of benign for this disease.

Breakthrough Genomics
Classification: Likely benign. Review status: criteria provided, single submitter. Criteria: ACMG Guidelines, 2015. Collection method: not provided. Allele origin: germline. Inheritance: Autosomal recessive inheritance. Affected: yes.

NM_022437.3(ABCG8):c.-15A>C

Genes: ABCG5 (ATP binding cassette subfamily G member 5; minus strand), ABCG8 (ATP binding cassette subfamily G member 8; plus strand). Cytogenetic location: 2p21.
Variant type: single nucleotide variant.
Coding change: c.-15A>C on transcript NM_022437.3 (MANE Select); 15 bases upstream of the start codon, A replaced by C.
Molecular consequence: 5 prime UTR variant.
Genome position (GRCh38, 1-based): chr2:43,839,039, A>C. VCF-style: chr2-43839039-A-C. GRCh37 (hg19) VCF-style: chr2-44066178-A-C.
Other names: c.-15A>C (NM_001357321.2).
Identifiers: ClinVar variation 336060 (VCV000336060.12), dbSNP rs72647315, ClinGen allele CA1636849.